The following is an entry in ClinVar:

NM_014285.7(EXOSC2):c.496-1G>A

Gene: EXOSC2 (exosome component 2; plus strand). Cytogenetic location: 9q34.12.
Variant type: single nucleotide variant.
Coding change: c.496-1G>A on transcript NM_014285.7 (MANE Select); the canonical splice acceptor site of the intron before coding-DNA position 496, G replaced by A.
Molecular consequence: splice acceptor variant. On other transcripts: non-coding transcript variant (1), intron variant (1).
Genome position (GRCh38, 1-based): chr9:130,702,133, G>A. VCF-style: chr9-130702133-G-A. GRCh37 (hg19) VCF-style: chr9-133577520-G-A.
Other names: c.427-10G>A (NM_001282708.1); c.406-1G>A (NM_001282709.1).
Identifiers: ClinVar variation 1057648 (VCV001057648.6), dbSNP rs763315114, ClinGen allele CA5284904.
Genomic context (GRCh38, chr9:130,702,133, plus strand): 5'-TCTCCTTTTCATTCATCCCGCCAATCTTGCAGTGACCTAGCTTCGTGATATATTTCTTTA[G>A]CTAGGTCAGGGGGTTTTGGTCCAGGTTTCCCCCTCCCTGGTGAAACGGCAGAAGACCCAC-3'

ClinVar aggregate classification (germline): Uncertain significance (1 of 4 stars; one submission).

Allele frequency attached by ClinVar (database versions not stated): ExAC 0.00001; gnomAD 0.00001; gnomAD exomes 0.00001.
gnomAD v4.1: 5 of 1,613,236 alleles (0.00031%); highest among the groups gnomAD compares: Non-Finnish European, 0.00034%; no homozygotes.

Submission:

Labcorp Genetics (formerly Invitae), Labcorp
Classification: Uncertain significance. Last evaluated: 2020-08-20. Review status: criteria provided, single submitter. Criteria: Invitae Variant Classification Sherloc (09022015). Collection method: clinical testing. Allele origin: germline.
Comment: This variant is present in population databases (rs763315114, ExAC 0.002%). This sequence change affects an acceptor splice site in intron 6 of the EXOSC2 gene. It is expected to disrupt RNA splicing and likely results in an absent or disrupted protein product. In summary, the available evidence is currently insufficient to determine the role of this variant in disease. Therefore, it has been classified as a Variant of Uncertain Significance. The current clinical and genetic evidence is not sufficient to establish whether loss-of-function variants in EXOSC2 cause disease. Algorithms developed to predict the effect of sequence changes on RNA splicing suggest that this variant may disrupt the consensus splice site, but this prediction has not been confirmed by published transcriptional studies. This variant has not been reported in the literature in individuals with EXOSC2-related conditions.